The following is an entry in ClinVar:

ClinVar aggregate classification (germline): Uncertain significance (1 of 4 stars; one submission).

Conditions:
Inborn genetic diseases. Identifiers: MedGen C0950123, MeSH D030342.

Submission:

Ambry Genetics
Classification: Uncertain significance for Inborn genetic diseases. Last evaluated: 2021-10-18. Review status: criteria provided, single submitter. Criteria: Ambry Variant Classification Scheme 2023. Collection method: clinical testing. Allele origin: germline.
Comment: The p.D1785E variant (also known as c.5355T>G), located in coding exon 37 of the LRRK2 gene, results from a T to G substitution at nucleotide position 5355. The aspartic acid at codon 1785 is replaced by glutamic acid, an amino acid with highly similar properties. This amino acid position is conserved. In addition, the in silico prediction for this alteration is inconclusive. Since supporting evidence is limited at this time, the clinical significance of this alteration remains unclear.

NM_198578.4(LRRK2):c.5355T>G (p.Asp1785Glu)

Gene: LRRK2 (leucine rich repeat kinase 2; plus strand). Cytogenetic location: 12q12.
Variant type: single nucleotide variant.
Coding change: c.5355T>G on transcript NM_198578.4 (MANE Select); coding-DNA position 5355, T replaced by G.
Protein change: p.Asp1785Glu; replaces aspartic acid 1785 with glutamic acid.
Molecular consequence: missense variant.
Genome position (GRCh38, 1-based): chr12:40,322,356, T>G. VCF-style: chr12-40322356-T-G. GRCh37 (hg19) VCF-style: chr12-40716158-T-G.
Other names: short protein forms D1785E.
Identifiers: ClinVar variation 1747027 (VCV001747027.2), dbSNP rs2499884999, ClinGen allele CA384420576.